The following is an entry in ClinVar:

NM_004304.5(ALK):c.2368A>G (p.Ile790Val)

Gene: ALK (ALK receptor tyrosine kinase; minus strand). Cytogenetic location: 2p23.2.
Variant type: single nucleotide variant.
Coding change: c.2368A>G on transcript NM_004304.5 (MANE Select); coding-DNA position 2368, A replaced by G.
Protein change: p.Ile790Val; replaces isoleucine 790 with valine.
Molecular consequence: missense variant.
Genome position (GRCh38, 1-based): chr2:29,233,684, T>C on the plus strand (A>G on the coding strand, the complement: ALK is on the minus strand). VCF-style: chr2-29233684-T-C. GRCh37 (hg19) VCF-style: chr2-29456550-T-C.
Other names: short protein forms I790V.
Identifiers: ClinVar variation 4273046 (VCV004273046.1).

ClinVar aggregate classification (germline): Uncertain significance (1 of 4 stars; one submission).

Conditions:
Hereditary cancer-predisposing syndrome. Also called: Hereditary Cancer Syndrome; Hereditary neoplastic syndrome; Neoplastic Syndromes, Hereditary; Tumor predisposition. Identifiers: Orphanet 140162, MedGen C0027672, MeSH D009386, MONDO:0015356.

gnomAD v4.1: 1 of 1,614,258 alleles (0.000062%); highest among the groups gnomAD compares: Non-Finnish European, 0.000085%; no homozygotes.

Submission:

Ambry Genetics
Classification: Uncertain significance for Hereditary cancer-predisposing syndrome. Last evaluated: 2025-08-22. Review status: criteria provided, single submitter. Criteria: Ambry Variant Classification Scheme 2023. Collection method: clinical testing. Allele origin: germline.
Comment: The p.I790V variant (also known as c.2368A>G), located in coding exon 14 of the ALK gene, results from an A to G substitution at nucleotide position 2368. The isoleucine at codon 790 is replaced by valine, an amino acid with highly similar properties. This amino acid position is conserved. In addition, this alteration is predicted to be tolerated by in silico analysis. Based on the available evidence, the clinical significance of this variant remains unclear.